The following is an entry in ClinVar:

NM_004444.5(EPHB4):c.790G>A (p.Gly264Arg)

Gene: EPHB4 (EPH receptor B4; minus strand). Cytogenetic location: 7q22.1.
Variant type: single nucleotide variant.
Coding change: c.790G>A on transcript NM_004444.5 (MANE Select); coding-DNA position 790, G replaced by A.
Protein change: p.Gly264Arg; replaces glycine 264 with arginine.
Molecular consequence: missense variant.
Genome position (GRCh38, 1-based): chr7:100,822,289, C>T on the plus strand (G>A on the coding strand, the complement: EPHB4 is on the minus strand). VCF-style: chr7-100822289-C-T. GRCh37 (hg19) VCF-style: chr7-100419911-C-T.
Other names: short protein forms G264R.
Identifiers: ClinVar variation 2780796 (VCV002780796.3), dbSNP rs2485044748, ClinGen allele CA368579623.

ClinVar aggregate classification (germline): Uncertain significance (1 of 4 stars; one submission).

Submission:

Labcorp Genetics (formerly Invitae), Labcorp
Classification: Uncertain significance. Last evaluated: 2023-08-01. Review status: criteria provided, single submitter. Criteria: Invitae Variant Classification Sherloc (09022015). Collection method: clinical testing. Allele origin: germline.
Comment: This sequence change replaces glycine, which is neutral and non-polar, with arginine, which is basic and polar, at codon 264 of the EPHB4 protein (p.Gly264Arg). In summary, the available evidence is currently insufficient to determine the role of this variant in disease. Therefore, it has been classified as a Variant of Uncertain Significance. This variant has not been reported in the literature in individuals affected with EPHB4-related conditions. This variant is not present in population databases (gnomAD no frequency). Advanced modeling of protein sequence and biophysical properties (such as structural, functional, and spatial information, amino acid conservation, physicochemical variation, residue mobility, and thermodynamic stability) performed at Invitae indicates that this missense variant is not expected to disrupt EPHB4 protein function.